The following is an entry in ClinVar:

ClinVar aggregate classification (germline): Uncertain significance (1 of 4 stars; one submission).

Submission:

Women's Health and Genetics/Laboratory Corporation of America, LabCorp
Classification: Uncertain significance. Last evaluated: 2024-04-24. Review status: criteria provided, single submitter. Criteria: LabCorp Variant Classification Summary - May 2015. Collection method: clinical testing. Allele origin: germline.
Comment: Variant summary: KCNJ1 c.938C>G (p.Ser313Cys) results in a non-conservative amino acid change located in the inward rectifier potassium channel, C-terminal (IPR041647) of the encoded protein sequence. Five of five in-silico tools predict a damaging effect of the variant on protein function. The variant was absent in 251160 control chromosomes. c.938C>G has been reported in the literature in at least one homozygous individual affected with Bartter Syndrome, Type 2 (e.g., Starremans_2002). These data indicate that the variant may be associated with disease. At least one publication reports experimental evidence evaluating an impact on protein function. The variant exhibited reduced channel activity (45%) when compared to wild-type. The following publication have been ascertained in the context of this evaluation (PMID: 11810218). No submitters have cited clinical-significance assessments for this variant to ClinVar. Based on the evidence outlined above, the variant was classified as VUS-possibly pathogenic.

Literature cited by the submitters: PubMed 11810218.

NM_153766.3(KCNJ1):c.881C>G (p.Ser294Cys)

Gene: KCNJ1 (potassium inwardly rectifying channel subfamily J member 1; minus strand). Cytogenetic location: 11q24.3.
Variant type: single nucleotide variant.
Coding change: c.881C>G on transcript NM_153766.3 (MANE Select); coding-DNA position 881, C replaced by G.
Protein change: p.Ser294Cys; replaces serine 294 with cysteine.
Molecular consequence: missense variant.
Genome position (GRCh38, 1-based): chr11:128,839,363, G>C on the plus strand (C>G on the coding strand, the complement: KCNJ1 is on the minus strand). VCF-style: chr11-128839363-G-C. GRCh37 (hg19) VCF-style: chr11-128709258-G-C.
Other names: c.938C>G, p.Ser313Cys (NM_000220.6); c.881C>G, p.Ser294Cys (NM_153764.3, NM_153767.4); c.932C>G, p.Ser311Cys (NM_153765.3); short protein forms S294C, S311C, S313C.
Identifiers: ClinVar variation 3251723 (VCV003251723.1), dbSNP rs1348507217.